The following is an entry in ClinVar:

ClinVar aggregate classification (germline): Benign. Review status: criteria provided, multiple submitters, no conflicts (2 of 4 stars). 5 submissions from 5 submitters: Benign (5). Last evaluated 2026-02-02.

Conditions:
Weill-Marchesani syndrome. Also called: WM Syndrome; Mesodermal dysmorphodystrophy congenital. Identifiers: Orphanet 3449, MedGen C0265313, MONDO:0018096.

Allele frequency attached by ClinVar (database versions not stated): gnomAD exomes 0.00336; ExAC 0.00418; 1000 Genomes Project 30x 0.01062; 1000 Genomes Project 0.01078; ESP Exome Variant Server 0.01330; gnomAD 0.01124 and 0.01217; TOPMed 0.01285.
gnomAD v4.1: 3,540 of 1,614,154 alleles (0.22%); highest among the groups gnomAD compares: African/African-American, 3.9%; 73 homozygotes.

Submissions (5):

Labcorp Genetics (formerly Invitae), Labcorp
Classification: Benign. Last evaluated: 2026-02-02. Review status: criteria provided, single submitter. Criteria: Invitae Variant Classification Sherloc (09022015). Collection method: clinical testing. Allele origin: germline.

Mayo Clinic Laboratories, Mayo Clinic
Classification: Benign. Last evaluated: 2023-05-31. Review status: criteria provided, single submitter. Criteria: ACMG Guidelines, 2015. Collection method: clinical testing. Allele origin: germline. Observed: 10 variant alleles.
Comment: BS1, BS2, BP4, BP7

GeneDx
Classification: Benign. Last evaluated: 2020-12-14. Review status: criteria provided, single submitter. Criteria: GeneDx Variant Classification Process June 2021. Collection method: clinical testing. Allele origin: germline. Affected: yes.

Illumina Laboratory Services, Illumina
Classification: Benign for Weill-Marchesani syndrome. Last evaluated: 2018-01-12. Review status: criteria provided, single submitter. Criteria: ICSL Variant Classification Criteria 13 December 2019. Collection method: clinical testing. Allele origin: germline.
Comment: This variant was observed in the ICSL laboratory as part of a predisposition screen in an ostensibly healthy population. It had not been previously curated by ICSL or reported in the Human Gene Mutation Database (HGMD: prior to June 1st, 2018), and was therefore a candidate for classification through an automated scoring system. Utilizing variant allele frequency, disease prevalence and penetrance estimates, and inheritance mode, an automated score was calculated to assess if this variant is too frequent to cause the disease. Based on the score and internal cut-off values, a variant classified as benign is not then subjected to further curation. The score for this variant resulted in a classification of benign for this disease.

Breakthrough Genomics
Classification: Benign. Review status: criteria provided, single submitter. Criteria: ACMG Guidelines, 2015. Collection method: not provided. Allele origin: germline. Inheritance: Autosomal recessive inheritance. Affected: yes.

NM_030957.4(ADAMTS10):c.1350G>T (p.Gly450=)

Gene: ADAMTS10 (ADAM metallopeptidase with thrombospondin type 1 motif 10; minus strand). Cytogenetic location: 19p13.2.
Variant type: single nucleotide variant.
Coding change: c.1350G>T on transcript NM_030957.4 (MANE Select); coding-DNA position 1350, G replaced by T.
Protein change: p.Gly450=; no amino-acid change (glycine 450 retained).
Molecular consequence: synonymous variant.
Genome position (GRCh38, 1-based): chr19:8,595,891, C>A on the plus strand (G>T on the coding strand, the complement: ADAMTS10 is on the minus strand). VCF-style: chr19-8595891-C-A. GRCh37 (hg19) VCF-style: chr19-8660775-C-A.
Other names: p.Gly450=.
Identifiers: ClinVar variation 330605 (VCV000330605.19), dbSNP rs75734496, ClinGen allele CA9160538.
Genomic context (GRCh38, chr19:8,595,891, plus strand): 5'-GCCCGGTGCCACTGTCGGGTACACAAAGTCCTGTCTGGGGGGCCGGTTGTTCAGGCAGAG[C>A]CCCAGGCCCGAGCTGCCTCGAGAGAAAAGCAACTGTCATGCTAGGTGGCTGCAAATCAAG-3'
Protein context (NP_112219.3, residues 440-460): YITSFLDSGL[Gly450=]LCLNNRPPRQ